The following is an entry in ClinVar:

NM_003002.4(SDHD):c.70C>G (p.Pro24Ala)

Gene: SDHD (succinate dehydrogenase complex subunit D; plus strand). Cytogenetic location: 11q23.1.
Variant type: single nucleotide variant.
Coding change: c.70C>G on transcript NM_003002.4 (MANE Select); coding-DNA position 70, C replaced by G.
Protein change: p.Pro24Ala; replaces proline 24 with alanine.
Molecular consequence: missense variant. On other transcripts: non-coding transcript variant (1), intron variant (1).
Genome position (GRCh38, 1-based): chr11:112,087,874, C>G. VCF-style: chr11-112087874-C-G. GRCh37 (hg19) VCF-style: chr11-111958598-C-G.
Other names: c.70C>G, p.Pro24Ala (NM_001276503.2, NM_001276506.2); c.52+915C>G (NM_001276504.2); short protein forms P24A.
Identifiers: ClinVar variation 3316917 (VCV003316917.1).

ClinVar aggregate classification (germline): Uncertain significance (1 of 4 stars; one submission).

Conditions:
Hereditary cancer-predisposing syndrome. Also called: Neoplastic Syndromes, Hereditary; Tumor predisposition; Hereditary neoplastic syndrome; Hereditary Cancer Syndrome. Identifiers: Orphanet 140162, MedGen C0027672, MeSH D009386, MONDO:0015356.

gnomAD v4.1: 1 of 1,613,152 alleles (0.000062%); highest among the groups gnomAD compares: Non-Finnish European, 0.000085%; no homozygotes.

Submission:

Ambry Genetics
Classification: Uncertain significance for Hereditary cancer-predisposing syndrome. Last evaluated: 2024-05-25. Review status: criteria provided, single submitter. Criteria: Ambry Variant Classification Scheme 2023. Collection method: clinical testing. Allele origin: germline.
Comment: The p.P24A variant (also known as c.70C>G), located in coding exon 2 of the SDHD gene, results from a C to G substitution at nucleotide position 70. The proline at codon 24 is replaced by alanine, an amino acid with highly similar properties. This amino acid position is conserved. In addition, the in silico prediction for this alteration is inconclusive. Based on the available evidence, the clinical significance of this variant remains unclear.